The following is an entry in ClinVar:

NM_022455.5(NSD1):c.5115_5116insTTTTTTTTTTTTTTTTTTTTNNNNNNNNNNCTGACCTCGTGATCCGCCCGCCTCGGCCTCCCAAAGTGCTGGGATTACAGGCGTGAGCCACCGCGCCCGGCCATGAGCATGTT (p.Asn1706delinsPhePhePhePhePhePheXaaXaaXaaXaaLeuThrSerTer)

Gene: NSD1 (nuclear receptor binding SET domain protein 1; plus strand). Cytogenetic location: 5q35.3.
Variant type: Insertion.
Coding change: c.5115_5116insTTTTTTTTTTTTTTTTTTTTNNNNNNNNNNCTGACCTCGTGATCCGCCCGCCTCGGCCTCCCAAAGTGCTGGGATTACAGGCGTGAGCCACCGCGCCCGGCCATGAGCATGTT on transcript NM_022455.5 (MANE Select); coding-DNA positions 5115 to 5116, TTTTTTTTTTTTTTTTTTTTNNNNNNNNNNCTGACCTCGTGATCCGCCCGCCTCGGCCTCCCAAAGTGCTGGGATTACAGGCGTGAGCCACCGCGCCCGGCCATGAGCATGTT inserted.
Protein change: p.Asn1706delinsPhePhePhePhePhePheXaaXaaXaaXaaLeuThrSerTer.
Molecular consequence: nonsense. On other transcripts: frameshift variant (11).
Genome position: GRCh38: chr5:177,260,137-177,260,138. GRCh37 (hg19): chr5:176,687,138-176,687,139.
Other names: c.4242_4243insTTTTTTTTTTTTTTTTTTTTNNNNNNNNNNCTGACCTCGTGATCCGCCCGCCTCGGCCTCCCAAAGTGCTGGGATTACAGGCGTGAGCCACCGCGCCCGGCCATGAGCATGTT, p.Asn1415Phefs (NM_001365684.2, NM_001409308.1, NM_001409309.1 and 1 more transcripts); c.5115_5116insTTTTTTTTTTTTTTTTTTTTNNNNNNNNNNCTGACCTCGTGATCCGCCCGCCTCGGCCTCCCAAAGTGCTGGGATTACAGGCGTGAGCCACCGCGCCCGGCCATGAGCATGTT, p.Asn1706Phefs (NM_001409301.1, NM_001409302.1, NM_001409303.1); c.4695_4696insTTTTTTTTTTTTTTTTTTTTNNNNNNNNNNCTGACCTCGTGATCCGCCCGCCTCGGCCTCCCAAAGTGCTGGGATTACAGGCGTGAGCCACCGCGCCCGGCCATGAGCATGTT, p.Asn1566Phefs (NM_001409304.1); c.4362_4363insTTTTTTTTTTTTTTTTTTTTNNNNNNNNNNCTGACCTCGTGATCCGCCCGCCTCGGCCTCCCAAAGTGCTGGGATTACAGGCGTGAGCCACCGCGCCCGGCCATGAGCATGTT, p.Asn1455Phefs (NM_001409305.1); c.4353_4354insTTTTTTTTTTTTTTTTTTTTNNNNNNNNNNCTGACCTCGTGATCCGCCCGCCTCGGCCTCCCAAAGTGCTGGGATTACAGGCGTGAGCCACCGCGCCCGGCCATGAGCATGTT, p.Asn1452Phefs (NM_001409306.1, NM_001409307.1).
Identifiers: ClinVar variation 2028009 (VCV002028009.4), dbSNP rs2480679636.

ClinVar aggregate classification (germline): Pathogenic (1 of 4 stars; one submission).

Submission:

Labcorp Genetics (formerly Invitae), Labcorp
Classification: Pathogenic. Last evaluated: 2022-08-30. Review status: criteria provided, single submitter. Criteria: Invitae Variant Classification Sherloc (09022015). Collection method: clinical testing. Allele origin: germline.
Comment: This sequence change inserts a large fragment of DNA, likely a transposable element, in exon 14 of the NSD1 gene (c.5115_5116ins?), causing a frameshift at codon 1706 (p.Asn1706fs). The exact size and sequence of the insertion cannot be determined by the current assay. However, the insertion is expected to result in an absent or disrupted protein product. This variant is not present in population databases (gnomAD no frequency). For these reasons, this variant has been classified as Pathogenic. Retrotransposon insertions including LINE1 (L1), Alu, and SVA (SINE-VNTR-Alu) have been reported to be disease-causing through disruption of either a coding region or splice site (PMID: 19763152, 20307669, 22406018) and loss-of-function variants in NSD1 are known to be pathogenic (PMID: 12464997, 14571271, 15942875, 16247291). Algorithms developed to predict the effect of sequence changes on RNA splicing suggest that this variant may disrupt the consensus splice site. This variant has not been reported in the literature in individuals affected with NSD1-related conditions.

Literature cited by the submitters: PubMed 19763152; PubMed 20307669; PubMed 22406018; PubMed 12464997; PubMed 14571271; PubMed 15942875; PubMed 16247291.